The following is an entry in ClinVar:

NM_006118.4(HAX1):c.663G>A (p.Gly221=)

Gene: HAX1 (HCLS1 associated protein X-1; plus strand). Cytogenetic location: 1q21.3.
Variant type: single nucleotide variant.
Coding change: c.663G>A on transcript NM_006118.4 (MANE Select); coding-DNA position 663, G replaced by A.
Protein change: p.Gly221=; no amino-acid change (glycine 221 retained).
Molecular consequence: synonymous variant.
Genome position (GRCh38, 1-based): chr1:154,275,260, G>A. VCF-style: chr1-154275260-G-A. GRCh37 (hg19) VCF-style: chr1-154247736-G-A.
Other names: c.519G>A, p.Gly173= (NM_001018837.2).
Identifiers: ClinVar variation 3722335 (VCV003722335.2).

ClinVar aggregate classification (germline): Uncertain significance (1 of 4 stars; one submission).

Conditions:
Kostmann syndrome (SCN3). Also called: Autosomal recessive severe congenital neutropenia type 3; KOSTMANN DISEASE. Identifiers: Orphanet 99749, MedGen C5235141, MONDO:0012548, OMIM 610738.

gnomAD v4.1: 2 of 1,604,254 alleles (0.00012%); highest among the groups gnomAD compares: South Asian, 0.0022%; no homozygotes.

Submission:

Labcorp Genetics (formerly Invitae), Labcorp
Classification: Uncertain significance for Kostmann syndrome. Last evaluated: 2025-04-21. Review status: criteria provided, single submitter. Criteria: Invitae Variant Classification Sherloc (09022015). Collection method: clinical testing. Allele origin: germline.
Comment: This sequence change affects codon 221 of the HAX1 mRNA. It is a 'silent' change, meaning that it does not change the encoded amino acid sequence of the HAX1 protein. This variant also falls at the last nucleotide of exon 5, which is part of the consensus splice site for this exon. This variant is not present in population databases (gnomAD no frequency). This variant has not been reported in the literature in individuals affected with HAX1-related conditions. ClinVar contains an entry for this variant (Variation ID: 3722335). Variants that disrupt the consensus splice site are a relatively common cause of aberrant splicing (PMID: 17576681, 9536098). Algorithms developed to predict the effect of sequence changes on RNA splicing suggest that this variant may disrupt the consensus splice site. In summary, the available evidence is currently insufficient to determine the role of this variant in disease. Therefore, it has been classified as a Variant of Uncertain Significance.

Literature cited by the submitters: PubMed 17576681; PubMed 9536098.